The following is an entry in ClinVar:

NM_015094.3(HIC2):c.366C>T (p.Ala122=)

Gene: HIC2 (HIC ZBTB transcriptional repressor 2; plus strand). Cytogenetic location: 22q11.21.
Variant type: single nucleotide variant.
Coding change: c.366C>T on transcript NM_015094.3 (MANE Select); coding-DNA position 366, C replaced by T.
Protein change: p.Ala122=; no amino-acid change (alanine 122 retained).
Molecular consequence: synonymous variant.
Genome position (GRCh38, 1-based): chr22:21,445,261, C>T. VCF-style: chr22-21445261-C-T. GRCh37 (hg19) VCF-style: chr22-21799550-C-T.
Identifiers: ClinVar variation 2652945 (VCV002652945.24), dbSNP rs1401024151, ClinGen allele CA513703801.

ClinVar aggregate classification (germline): Likely benign (1 of 4 stars; one submission).

Allele frequency attached by ClinVar (database versions not stated): TOPMed below 0.00001; gnomAD 0.00001; gnomAD exomes 0.00001.

Submission:

CeGaT Center for Human Genetics Tuebingen
Classification: Likely benign. Last evaluated: 2023-02-01. Review status: criteria provided, single submitter. Criteria: CeGaT Center For Human Genetics Tuebingen Variant Classification Criteria Version 2. Collection method: clinical testing. Allele origin: germline. Affected: yes. Observed: 1 variant allele.
Comment: HIC2: BP4, BP7